The following is an entry in ClinVar:

ClinVar aggregate classification (germline): Conflicting classifications of pathogenicity. Review status: criteria provided, conflicting classifications (1 of 4 stars). 2 submissions from 2 submitters: Uncertain significance (1); Likely benign (1). Last evaluated 2025-08-21.

Allele frequency attached by ClinVar (database versions not stated): TOPMed below 0.00001.

Submissions (2):

Ambry Genetics
Classification: Likely benign. Last evaluated: 2025-08-21. Review status: criteria provided, single submitter. Criteria: Ambry Variant Classification Scheme 2023. Collection method: clinical testing. Allele origin: germline.

Labcorp Genetics (formerly Invitae), Labcorp
Classification: Uncertain significance. Last evaluated: 2024-04-25. Review status: criteria provided, single submitter. Criteria: Invitae Variant Classification Sherloc (09022015). Collection method: clinical testing. Allele origin: germline.
Comment: This sequence change replaces valine, which is neutral and non-polar, with isoleucine, which is neutral and non-polar, at codon 211 of the CYC1 protein (p.Val211Ile). This variant is not present in population databases (gnomAD no frequency). This variant has not been reported in the literature in individuals affected with CYC1-related conditions. Advanced modeling of protein sequence and biophysical properties (such as structural, functional, and spatial information, amino acid conservation, physicochemical variation, residue mobility, and thermodynamic stability) performed at Invitae indicates that this missense variant is not expected to disrupt CYC1 protein function with a negative predictive value of 80%. In summary, the available evidence is currently insufficient to determine the role of this variant in disease. Therefore, it has been classified as a Variant of Uncertain Significance.

NM_001916.5(CYC1):c.631G>A (p.Val211Ile)

Gene: CYC1 (cytochrome c1; plus strand). Cytogenetic location: 8q24.3.
Variant type: single nucleotide variant.
Coding change: c.631G>A on transcript NM_001916.5 (MANE Select); coding-DNA position 631, G replaced by A.
Protein change: p.Val211Ile; replaces valine 211 with isoleucine.
Molecular consequence: missense variant.
Genome position (GRCh38, 1-based): chr8:144,096,603, G>A. VCF-style: chr8-144096603-G-A. GRCh37 (hg19) VCF-style: chr8-145151506-G-A.
Other names: c.631G>A (NM_001916.3); short protein forms V211I.
Identifiers: ClinVar variation 2899535 (VCV002899535.4), dbSNP rs758602245, ClinGen allele CA372525088.